The following is an entry in ClinVar:

NM_030632.3(ASXL3):c.4399C>T (p.Arg1467Ter)

Gene: ASXL3 (ASXL transcriptional regulator 3; plus strand). Cytogenetic location: 18q12.1.
Variant type: single nucleotide variant.
Coding change: c.4399C>T on transcript NM_030632.3 (MANE Select); coding-DNA position 4399, C replaced by T.
Protein change: p.Arg1467Ter; replaces arginine 1467 with a stop codon.
Molecular consequence: nonsense.
Genome position (GRCh38, 1-based): chr18:33,744,247, C>T. VCF-style: chr18-33744247-C-T. GRCh37 (hg19) VCF-style: chr18-31324211-C-T.
Other names: c.4399C>T (NM_030632.2); short protein forms R1467*.
Identifiers: ClinVar variation 452589 (VCV000452589.15), dbSNP rs1204482456, ClinGen allele CA402190826.

ClinVar aggregate classification (germline): Pathogenic. Review status: criteria provided, multiple submitters, no conflicts (2 of 4 stars). 7 submissions from 7 submitters: Pathogenic (7). Last evaluated 2025-07-13.

Conditions:
Bainbridge-Ropers syndrome. Also called: Severe feeding difficulties-failure to thrive-microcephaly due to ASXL3 deficiency syndrome. Identifiers: Orphanet 352577, MedGen C4750837, MONDO:0014205, OMIM 615485.
ASXL3-related disorder. Also called: ASXL3-related condition. Identifiers: MedGen CN381524.
Neurodevelopmental disorder. Identifiers: MedGen C1535926, MeSH D065886, MONDO:0700092.

Allele frequency attached by ClinVar (database versions not stated): gnomAD exomes below 0.00001.
gnomAD v4.1: 1 of 1,613,970 alleles (0.000062%); highest among the groups gnomAD compares: Non-Finnish European, 0.000085%; no homozygotes.

Submissions (7):

Variantyx, Inc.
Classification: Pathogenic for Bainbridge-Ropers syndrome. Last evaluated: 2025-07-13. Review status: criteria provided, single submitter. Criteria: Variantyx Assertion Criteria 2022. Collection method: clinical testing. Allele origin: de novo. Inheritance: Autosomal dominant inheritance. Affected: yes.
Comment: This is a nonsense variant in the ASXL3 gene (OMIM: 615115). Pathogenic variants in this gene have been associated with autosomal dominant Bainbridge-Ropers syndrome. This variant has been reported in at least one affected individual (PMID: 34436830) (PS4). and it has a 0.0001% maximum allele frequency in non-founder control populations (PM2). Based on the current evidence, this variant is classified as pathogenic for autosomal dominant Bainbridge-Ropers syndrome.

Blueprint Genetics
Classification: Pathogenic for ASXL3-related disorders. Last evaluated: 2024-03-26. Review status: criteria provided, single submitter. Criteria: ACMG Guidelines, 2015. Collection method: clinical testing. Allele origin: germline. Affected: yes. Observed: 2 variant alleles.

Laboratory of Molecular Genetics (Pr. Bezieau's lab), CHU de Nantes
Classification: Pathogenic for Neurodevelopmental disorder. Last evaluated: 2023-01-27. Review status: criteria provided, single submitter. Criteria: ACMG Guidelines, 2015. Collection method: clinical testing. Allele origin: germline. Affected: yes.

GeneDx
Classification: Pathogenic. Last evaluated: 2022-03-16. Review status: criteria provided, single submitter. Criteria: GeneDx Variant Classification Process June 2021. Collection method: clinical testing. Allele origin: germline. Affected: yes.
Comment: Nonsense variant in the C-terminus predicted to result in protein truncation, as the last 782 amino acids are lost, and other loss-of-function variants have been reported downstream in other patients referred for testing at GeneDx; Not observed at significant frequency in large population cohorts (gnomAD); This variant is associated with the following publications: (PMID: 33242595)

Institute of Medical Genetics and Applied Genomics, University Hospital Tübingen
Classification: Pathogenic. Last evaluated: 2020-10-23. Review status: criteria provided, single submitter. Criteria: ACMG Guidelines, 2015. Collection method: clinical testing. Allele origin: germline. Inheritance: Autosomal dominant inheritance. Affected: yes.

Eurofins Ntd Llc (ga)
Classification: Pathogenic. Last evaluated: 2017-01-27. Review status: criteria provided, single submitter. Criteria: EGL Classification Definitions 2015. Collection method: clinical testing. Allele origin: germline.

Rady Children's Institute for Genomic Medicine, Rady Children's Hospital San Diego
Classification: Pathogenic for BAINBRIDGE-ROPERS SYNDROME. Review status: criteria provided, single submitter. Criteria: ACMG Guidelines, 2015. Collection method: clinical testing. Allele origin: germline. Affected: yes.
Comment: This nonsense variant found in exon 12 of 12 of ASXL3 is predicted to result in loss of normal protein function through protein truncation. Loss of function variants in ASXL3 are a known mechanism of disease (PMID: 33151654). This variant has not been previously reported or functionally characterized in the literature to our knowledge. This variant and other truncating variants downstream of this alteration have been reported. The c.4399C>T (p.Arg1467Ter) is absent from the gnomAD population database and thus is presumed to be rare. Analysis of the parental samples was negative for the variant, indicating this variant likely occurred as a de novo event. Based on the available evidence, the c.4399C>T (p.Arg1467Ter) variant is classified as Pathogenic.

Literature cited by the submitters: PubMed 35322241 (cited by Variantyx, Inc.); PubMed 34436830 (cited by Variantyx, Inc.); PubMed 33151654 (cited by Variantyx, Inc.).